The following is an entry in ClinVar:

NM_000094.4(COL7A1):c.5424C>T (p.Asp1808=)

Genes: COL7A1 (collagen type VII alpha 1 chain; minus strand), MIR711 (microRNA 711; minus strand). Cytogenetic location: 3p21.31.
Variant type: single nucleotide variant.
Coding change: c.5424C>T on transcript NM_000094.4 (MANE Select); coding-DNA position 5424, C replaced by T.
Protein change: p.Asp1808=; no amino-acid change (aspartic acid 1808 retained).
Molecular consequence: synonymous variant. On other transcripts: non-coding transcript variant (1).
Genome position (GRCh38, 1-based): chr3:48,578,919, G>A on the plus strand (C>T on the coding strand, the complement: COL7A1 is on the minus strand). VCF-style: chr3-48578919-G-A. GRCh37 (hg19) VCF-style: chr3-48616352-G-A.
Other names: c.5424C>T (NM_000094.3).
Identifiers: ClinVar variation 1160736 (VCV001160736.9), dbSNP rs755720544, ClinGen allele CA2379516.

ClinVar aggregate classification (germline): Likely benign. Review status: criteria provided, single submitter (1 of 4 stars). 3 submissions from 3 submitters: Likely benign (1). 2 of the submissions do not count toward it. Last evaluated 2026-01-29.

Conditions:
COL7A1-related disorder. Also called: COL7A1-related condition; COL7A1- related disorders.
Epidermolysis bullosa dystrophica. Also called: Dystrophic epidermolysis bullosa; Dystrophic epidermolysis bullosa, Hallopeau-Siemens type (formerly). Identifiers: Orphanet 303, MedGen C0079294, MONDO:0006543.

Allele frequency attached by ClinVar (database versions not stated): ExAC 0.00008; gnomAD exomes 0.00013 and 0.00040; TOPMed 0.00060; gnomAD 0.00080 and 0.00083.
gnomAD v4.1: 312 of 1,613,622 alleles (0.019%); highest among the groups gnomAD compares: Admixed American, 0.37%; 1 homozygote.

Submissions (3):

Labcorp Genetics (formerly Invitae), Labcorp
Classification: Likely benign. Last evaluated: 2026-01-29. Review status: criteria provided, single submitter. Criteria: Invitae Variant Classification Sherloc (09022015). Collection method: clinical testing. Allele origin: germline.

PreventionGenetics, part of Exact Sciences
Classification: Likely benign for COL7A1-related condition. Last evaluated: 2024-06-26. Review status: no assertion criteria provided. Collection method: clinical testing. Allele origin: germline. Not counted in ClinVar's aggregate classification.
Comment: This variant is classified as likely benign based on ACMG/AMP sequence variant interpretation guidelines (Richards et al. 2015 PMID: 25741868, with internal and published modifications).

Natera, Inc.
Classification: Likely benign for Dystrophic epidermolysis bullosa. Last evaluated: 2020-01-23. Review status: no assertion criteria provided. Collection method: clinical testing. Allele origin: germline. Not counted in ClinVar's aggregate classification.